The following is an entry in ClinVar:

ClinVar aggregate classification (germline): Conflicting classifications of pathogenicity. Review status: criteria provided, conflicting classifications (1 of 4 stars). 2 submissions from 2 submitters: Uncertain significance (1); Likely benign (1). Last evaluated 2023-03-23.

Conditions:
Hereditary cancer-predisposing syndrome. Also called: Neoplastic Syndromes, Hereditary; Tumor predisposition; Hereditary Cancer Syndrome; Hereditary neoplastic syndrome. Identifiers: Orphanet 140162, MedGen C0027672, MeSH D009386, MONDO:0015356.

Allele frequency attached by ClinVar (database versions not stated): ExAC 0.00001.

Submissions (2):

University of Washington Department of Laboratory Medicine, University of Washington
Classification: Likely benign for Hereditary cancer-predisposing syndrome. Last evaluated: 2023-03-23. Review status: criteria provided, single submitter. Criteria: Dines et al. (Genet Med. 2020). Collection method: curation. Allele origin: germline.
Comment: Missense variant in a coldspot region where missense variants are very unlikely to be pathogenic (PMID:31911673).

BRCA1 coldspot (exon 11 using historical exon numbering). Reclassification based on statistical prior probability

Ambry Genetics
Classification: Uncertain significance for Hereditary cancer-predisposing syndrome. Last evaluated: 2021-11-02. Review status: criteria provided, single submitter. Criteria: Ambry Variant Classification Scheme 2023. Collection method: clinical testing. Allele origin: germline.
Comment: The p.D232G variant (also known as c.695A>G), located in coding exon 9 of the BRCA1 gene, results from an A to G substitution at nucleotide position 695. The aspartic acid at codon 232 is replaced by glycine, an amino acid with similar properties. This amino acid position is not well conserved in available vertebrate species. In addition, the in silico prediction for this alteration is inconclusive. Since supporting evidence is limited at this time, the clinical significance of this alteration remains unclear.

NM_007294.4(BRCA1):c.695A>G (p.Asp232Gly)

Gene: BRCA1 (BRCA1 DNA repair associated; minus strand). Cytogenetic location: 17q21.31.
Variant type: single nucleotide variant.
Coding change: c.695A>G on transcript NM_007294.4 (MANE Select); coding-DNA position 695, A replaced by G.
Protein change: p.Asp232Gly; replaces aspartic acid 232 with glycine.
Molecular consequence: missense variant. On other transcripts: non-coding transcript variant (1).
Genome position (GRCh38, 1-based): chr17:43,094,836, T>C on the plus strand (A>G on the coding strand, the complement: BRCA1 is on the minus strand). VCF-style: chr17-43094836-T-C. GRCh37 (hg19) VCF-style: chr17-41246853-T-C.
Other names: c.362A>G, p.Asp121Gly (NM_001407948.1, NM_001407946.1, NM_001407947.1 and 7 more transcripts); c.554A>G, p.Asp185Gly (NM_001407944.1, NM_001407945.1, NM_001407942.1 and 43 more transcripts); c.551A>G, p.Asp184Gly (NM_001407943.1, NM_001407740.1, NM_001407741.1 and 26 more transcripts); c.482A>G, p.Asp161Gly (NM_001407853.1, NM_001407894.1, NM_001407895.1 and 12 more transcripts); c.695A>G, p.Asp232Gly (NM_001407854.1, NM_001407858.1, NM_001407859.1 and 54 more transcripts); c.692A>G, p.Asp231Gly (NM_001407860.1, NM_001407861.1, NM_001407972.1 and 38 more transcripts); c.494A>G, p.Asp165Gly (NM_001407862.1, NM_001408474.1, NM_001408476.1); c.572A>G, p.Asp191Gly (NM_001407863.1, NM_001407919.1, NM_001407937.1 and 34 more transcripts); and 14 more; short protein forms D105G, D143G, D190G, D229G, D121G, D162G, D184G, D231G.
Identifiers: ClinVar variation 1756309 (VCV001756309.4), dbSNP rs398122708, ClinGen allele CA056675.